The following is an entry in ClinVar:

NM_206933.4(USH2A):c.188G>A (p.Arg63Gln)

Gene: USH2A (usherin; minus strand). Cytogenetic location: 1q41.
Variant type: single nucleotide variant.
Coding change: c.188G>A on transcript NM_206933.4 (MANE Select); coding-DNA position 188, G replaced by A.
Protein change: p.Arg63Gln; replaces arginine 63 with glutamine.
Molecular consequence: missense variant.
Genome position (GRCh38, 1-based): chr1:216,422,149, C>T on the plus strand (G>A on the coding strand, the complement: USH2A is on the minus strand). VCF-style: chr1-216422149-C-T. GRCh37 (hg19) VCF-style: chr1-216595491-C-T.
Other names: c.188G>A, p.Arg63Gln (NM_007123.6); c.188G>A (NM_206933.2); short protein forms R63Q.
Identifiers: ClinVar variation 1015543 (VCV001015543.8), dbSNP rs369806765, ClinGen allele CA1396845.

ClinVar aggregate classification (germline): Uncertain significance. Review status: criteria provided, multiple submitters, no conflicts (2 of 4 stars). 7 submissions from 6 submitters: Uncertain significance (6). 1 of the submissions does not count toward it. Last evaluated 2026-06-22.

Conditions:
Retinitis pigmentosa 39 (RP39). Identifiers: Orphanet 791, MedGen C3151138, MONDO:0013436, OMIM 613809.
Usher syndrome type 2A. Also called: RETINAL DISEASE IN USHER SYNDROME TYPE IIA, MODIFIER OF; USHER SYNDROME, TYPE IIA. Identifiers: Orphanet 231178, Orphanet 886, MedGen C1848634, MONDO:0010169, OMIM 276901.

Allele frequency attached by ClinVar (database versions not stated): ESP Exome Variant Server 0.00008; TOPMed 0.00014; ExAC 0.00003; gnomAD 0.00011; gnomAD exomes 0.00004.
gnomAD v4.1: 56 of 1,613,666 alleles (0.0035%); highest among the groups gnomAD compares: African/African-American, 0.027%; no homozygotes.

Submissions (7):

Women's Health and Genetics/Laboratory Corporation of America, LabCorp
Classification: Uncertain significance. Last evaluated: 2026-06-22. Review status: criteria provided, single submitter. Criteria: LabCorp Variant Classification Summary - May 2015. Collection method: clinical testing. Allele origin: germline.
Comment: Variant summary: USH2A c.188G>A (p.Arg63Gln) results in a conservative amino acid change in the encoded protein sequence. Algorithms developed to predict the effect of missense changes on protein structure and function all suggest that this variant is likely to be tolerated. The variant allele was found at a frequency of 4e-05 in 250918 control chromosomes. This frequency is not significantly higher than estimated for disease-causing variants in USH2A, allowing no conclusion about variant significance. c.188G>A has been reported in the literature as a non-informative genotype (second allele pathogenicity not certain) in at-least one individual affected with deafness (example: Yang_2013). These report(s) do not provide unequivocal conclusions about association of the variant with disease. To our knowledge, no experimental evidence demonstrating an impact on protein function has been reported. The following publication has been ascertained in the context of this evaluation (PMID: 23767834). ClinVar contains an entry for this variant (Variation ID: 1015543). Based on the evidence outlined above, the variant was classified as uncertain significance.

GeneDx
Classification: Uncertain significance. Last evaluated: 2026-03-31. Review status: criteria provided, single submitter. Criteria: GeneDx Variant Classification Process June 2021. Collection method: clinical testing. Allele origin: germline.
Comment: In silico analysis suggests that this missense variant does not alter protein structure/function; This variant is associated with the following publications: (PMID: 23767834)

Blueprint Genetics
Classification: Uncertain significance. Last evaluated: 2024-02-12. Review status: criteria provided, single submitter. Criteria: ACMG Guidelines, 2015. Collection method: clinical testing. Allele origin: germline.

Genome-Nilou Lab
Classification: Uncertain significance for Retinitis pigmentosa 39. Last evaluated: 2023-11-04. Review status: criteria provided, single submitter. Criteria: ACMG Guidelines, 2015. Collection method: clinical testing. Allele origin: germline. Affected: no.

Genome-Nilou Lab
Classification: Uncertain significance for Usher syndrome type 2A. Last evaluated: 2023-11-04. Review status: criteria provided, single submitter. Criteria: ACMG Guidelines, 2015. Collection method: clinical testing. Allele origin: germline. Affected: no.

Labcorp Genetics (formerly Invitae), Labcorp
Classification: Uncertain significance. Last evaluated: 2022-04-29. Review status: criteria provided, single submitter. Criteria: Invitae Variant Classification Sherloc (09022015). Collection method: clinical testing. Allele origin: germline.
Comment: This sequence change replaces arginine, which is basic and polar, with glutamine, which is neutral and polar, at codon 63 of the USH2A protein (p.Arg63Gln). This variant is present in population databases (rs369806765, gnomAD 0.04%). This missense change has been observed in individual(s) with deafness (PMID: 23767834). ClinVar contains an entry for this variant (Variation ID: 1015543). Algorithms developed to predict the effect of missense changes on protein structure and function output the following: SIFT: "Tolerated"; PolyPhen-2: "Benign"; Align-GVGD: "Class C0". The glutamine amino acid residue is found in multiple mammalian species, which suggests that this missense change does not adversely affect protein function. In summary, the available evidence is currently insufficient to determine the role of this variant in disease. Therefore, it has been classified as a Variant of Uncertain Significance.

Natera, Inc.
Classification: Uncertain significance for Usher syndrome type 2A. Last evaluated: 2020-02-29. Review status: no assertion criteria provided. Collection method: clinical testing. Allele origin: germline. Not counted in ClinVar's aggregate classification.

Literature cited by the submitters: PubMed 23767834 (cited by Women's Health and Genetics/Laboratory Corporation of America, LabCorp and Labcorp Genetics (formerly Invitae), Labcorp).